The following is an entry in ClinVar:

NM_003489.4(NRIP1):c.1310A>G (p.Asn437Ser)

Gene: NRIP1 (nuclear receptor interacting protein 1; minus strand). Cytogenetic location: 21q11.2.
Variant type: single nucleotide variant.
Coding change: c.1310A>G on transcript NM_003489.4 (MANE Select); coding-DNA position 1310, A replaced by G.
Protein change: p.Asn437Ser; replaces asparagine 437 with serine.
Molecular consequence: missense variant.
Genome position (GRCh38, 1-based): chr21:14,966,883, T>C on the plus strand (A>G on the coding strand, the complement: NRIP1 is on the minus strand). VCF-style: chr21-14966883-T-C. GRCh37 (hg19) VCF-style: chr21-16339204-T-C.
Other names: short protein forms N437S.
Identifiers: ClinVar variation 3617312 (VCV003617312.2).

ClinVar aggregate classification (germline): Uncertain significance (1 of 4 stars; one submission).

gnomAD v4.1: 13 of 1,614,060 alleles (0.00081%); highest among the groups gnomAD compares: Admixed American, 0.013%; no homozygotes.

Submission:

Labcorp Genetics (formerly Invitae), Labcorp
Classification: Uncertain significance. Last evaluated: 2024-06-26. Review status: criteria provided, single submitter. Criteria: Invitae Variant Classification Sherloc (09022015). Collection method: clinical testing. Allele origin: germline.
Comment: This sequence change replaces asparagine, which is neutral and polar, with serine, which is neutral and polar, at codon 437 of the NRIP1 protein (p.Asn437Ser). This variant is present in population databases (rs759022400, gnomAD 0.01%). This variant has not been reported in the literature in individuals affected with NRIP1-related conditions. Algorithms developed to predict the effect of missense changes on protein structure and function output the following: SIFT: "Not Available"; PolyPhen-2: "Benign"; Align-GVGD: "Not Available". The serine amino acid residue is found in multiple mammalian species, which suggests that this missense change does not adversely affect protein function. In summary, the available evidence is currently insufficient to determine the role of this variant in disease. Therefore, it has been classified as a Variant of Uncertain Significance.